The following is an entry in ClinVar:

ClinVar aggregate classification (germline): Pathogenic (1 of 4 stars; one submission).

Conditions:
Oculodentodigital dysplasia, autosomal recessive. Also called: OCULODENTOOSSEOUS DYSPLASIA, AUTOSOMAL RECESSIVE; ODDD, AUTOSOMAL RECESSIVE; ODOD, AUTOSOMAL RECESSIVE. Identifiers: Orphanet 2710, MedGen C2749477, MONDO:0009768, OMIM 257850.

Submission:

Labcorp Genetics (formerly Invitae), Labcorp
Classification: Pathogenic for Oculodentodigital dysplasia, autosomal recessive. Last evaluated: 2024-04-22. Review status: criteria provided, single submitter. Criteria: Invitae Variant Classification Sherloc (09022015). Collection method: clinical testing. Allele origin: germline.
Comment: This sequence change replaces glutamic acid, which is acidic and polar, with glutamine, which is neutral and polar, at codon 227 of the GJA1 protein (p.Glu227Gln). This variant is not present in population databases (gnomAD no frequency). This missense change has been observed in individual(s) with clinical features of oculodentodigital dysplasia (Invitae). In at least one individual the variant was observed to be de novo. Advanced modeling of protein sequence and biophysical properties (such as structural, functional, and spatial information, amino acid conservation, physicochemical variation, residue mobility, and thermodynamic stability) performed at Invitae indicates that this missense variant is expected to disrupt GJA1 protein function with a positive predictive value of 80%. For these reasons, this variant has been classified as Pathogenic.

NM_000165.5(GJA1):c.679G>C (p.Glu227Gln)

Gene: GJA1 (gap junction protein alpha 1; plus strand). Cytogenetic location: 6q22.31.
Variant type: single nucleotide variant.
Coding change: c.679G>C on transcript NM_000165.5 (MANE Select); coding-DNA position 679, G replaced by C.
Protein change: p.Glu227Gln; replaces glutamic acid 227 with glutamine.
Molecular consequence: missense variant.
Genome position (GRCh38, 1-based): chr6:121,447,526, G>C. VCF-style: chr6-121447526-G-C. GRCh37 (hg19) VCF-style: chr6-121768672-G-C.
Other names: short protein forms E227Q.
Identifiers: ClinVar variation 3647870 (VCV003647870.2).